The following is an entry in ClinVar:

ClinVar aggregate classification (germline): Uncertain significance (1 of 4 stars; one submission).

Conditions:
Hereditary nonpolyposis colorectal neoplasms. Identifiers: MedGen C0009405, MeSH D003123.

Submission:

Labcorp Genetics (formerly Invitae), Labcorp
Classification: Uncertain significance for Hereditary nonpolyposis colorectal neoplasms. Last evaluated: 2024-12-23. Review status: criteria provided, single submitter. Criteria: Invitae Variant Classification Sherloc (09022015). Collection method: clinical testing. Allele origin: germline.
Comment: This variant, c.3001_3003del, results in the deletion of 1 amino acid(s) of the MSH6 protein (p.Lys1001del), but otherwise preserves the integrity of the reading frame. This variant is not present in population databases (gnomAD no frequency). This variant has not been reported in the literature in individuals affected with MSH6-related conditions. Experimental studies and prediction algorithms are not available or were not evaluated, and the functional significance of this variant is currently unknown. In summary, the available evidence is currently insufficient to determine the role of this variant in disease. Therefore, it has been classified as a Variant of Uncertain Significance.

NM_000179.3(MSH6):c.2998AAG[1] (p.Lys1001del)

Gene: MSH6 (mutS homolog 6; plus strand). Cytogenetic location: 2p16.3.
Variant type: Microsatellite.
Coding change: c.2998AAG[1] on transcript NM_000179.3 (MANE Select); one copy of the 3-base unit AAG starting at c.2998; the reference has two copies in a row; one copy, 3 bases deleted.
Protein change: p.Lys1001del; deletes lysine 1001.
Molecular consequence: non-coding transcript variant (on NR_176256.1). On other transcripts: intron variant (2).
Genome position (GRCh38, 1-based): chr2:47,800,984-47,800,986, AAG deleted; deleting any 3 consecutive bases within chr2:47,800,981-47,800,986 gives the same sequence; the position shown is the placement nearest the transcript's 3' end. VCF-style (leftmost placement, unchanged base first): chr2-47800980-CAAG-C. GRCh37 (hg19) VCF-style: chr2-48028119-CAAG-C.
Other names: c.2608AAG[1], p.Lys871del (NM_001281492.2); c.2092AAG[1], p.Lys699del (NM_001281493.2, NM_001281494.2, NM_001406811.1 and 6 more transcripts); c.2998AAG[1], p.Lys1001del (NM_001406808.1, NM_001406809.1, NM_001406796.1 and 2 more transcripts); c.3004AAG[1], p.Lys1003del (NM_001406813.1); c.3094AAG[1], p.Lys1033del (NM_001406795.1, NM_001406802.1); c.2701AAG[1], p.Lys902del (NM_001406797.1, NM_001406801.1, NM_001406805.1 and 10 more transcripts); c.2473AAG[1], p.Lys826del (NM_001406799.1, NM_001406806.1, NM_001406807.1); c.2920AAG[1], p.Lys975del (NM_001406804.1); and 4 more; short protein forms K1003del, K1033del, K871del, K902del, K945del, K975del, K1001del, K316del.
Identifiers: ClinVar variation 3727843 (VCV003727843.2).
Genomic context (GRCh38, chr2:47,800,980, plus strand): 5'-GGAAATTCCTGAGAATTTCACCACTCGCAATTTGCCAGAAGAATACGAGTTGAAATCTAC[CAAG>C]AAGGGCTGTAAACGATACTGGACCAAAACTATTGAAAAGAAGTTGGCTAATCTCATAAAT-3'